The following is an entry in ClinVar:

NM_001242896.3(DEPDC5):c.363G>T (p.Leu121Phe)

Gene: DEPDC5 (DEP domain containing 5, GATOR1 subcomplex subunit; plus strand). Cytogenetic location: 22q12.2.
Variant type: single nucleotide variant.
Coding change: c.363G>T on transcript NM_001242896.3 (MANE Select); coding-DNA position 363, G replaced by T.
Protein change: p.Leu121Phe; replaces leucine 121 with phenylalanine.
Molecular consequence: missense variant. On other transcripts: non-coding transcript variant (5), intron variant (2).
Genome position (GRCh38, 1-based): chr22:31,766,668, G>T. VCF-style: chr22-31766668-G-T. GRCh37 (hg19) VCF-style: chr22-32162654-G-T.
Other names: c.363G>T, p.Leu121Phe (NM_001007188.4, NM_001136029.4, NM_001242897.2 and 7 more transcripts); c.279+1608G>T (NM_001369902.1, NM_001369901.1); short protein forms L121F.
Identifiers: ClinVar variation 1041800 (VCV001041800.8), dbSNP rs2082845017, ClinGen allele CA411282629.

ClinVar aggregate classification (germline): Uncertain significance (1 of 4 stars; one submission).

Conditions:
Familial focal epilepsy with variable foci (FPEVF). Identifiers: Orphanet 98820, MedGen C1858477, MONDO:0020310.

Submission:

Labcorp Genetics (formerly Invitae), Labcorp
Classification: Uncertain significance for Familial focal epilepsy with variable foci. Last evaluated: 2020-05-24. Review status: criteria provided, single submitter. Criteria: Invitae Variant Classification Sherloc (09022015). Collection method: clinical testing. Allele origin: germline.
Comment: In summary, the available evidence is currently insufficient to determine the role of this variant in disease. Therefore, it has been classified as a Variant of Uncertain Significance. Nucleotide substitutions within the consensus splice site are a relatively common cause of aberrant splicing (PMID: 17576681, 9536098). Algorithms developed to predict the effect of sequence changes on RNA splicing suggest that this variant may disrupt the consensus splice site, but this prediction has not been confirmed by published transcriptional studies. Algorithms developed to predict the effect of missense changes on protein structure and function are either unavailable or do not agree on the potential impact of this missense change (SIFT: "Deleterious"; PolyPhen-2: "Not Available"; Align-GVGD: "Class C15"). This variant has not been reported in the literature in individuals with DEPDC5-related conditions. This variant is not present in population databases (ExAC no frequency). This sequence change replaces leucine with phenylalanine at codon 121 of the DEPDC5 protein (p.Leu121Phe). The leucine residue is highly conserved and there is a small physicochemical difference between leucine and phenylalanine. This variant also falls at the last nucleotide of exon 6 of the DEPDC5 coding sequence, which is part of the consensus splice site for this exon.

Literature cited by the submitters: PubMed 17576681; PubMed 9536098.